The following is an entry in ClinVar:

NM_001376.5(DYNC1H1):c.1846A>G (p.Ile616Val)

Gene: DYNC1H1 (dynein cytoplasmic 1 heavy chain 1; plus strand). Cytogenetic location: 14q32.31.
Variant type: single nucleotide variant.
Coding change: c.1846A>G on transcript NM_001376.5 (MANE Select); coding-DNA position 1846, A replaced by G.
Protein change: p.Ile616Val; replaces isoleucine 616 with valine.
Molecular consequence: missense variant.
Genome position (GRCh38, 1-based): chr14:101,986,071, A>G. VCF-style: chr14-101986071-A-G. GRCh37 (hg19) VCF-style: chr14-102452408-A-G.
Other names: short protein forms I616V.
Identifiers: ClinVar variation 3765609 (VCV003765609.1).

ClinVar aggregate classification (germline): Uncertain significance (1 of 4 stars; one submission).

Submission:

Greenwood Genetic Center Diagnostic Laboratories, Greenwood Genetic Center
Classification: Uncertain significance. Last evaluated: 2024-08-27. Review status: criteria provided, single submitter. Criteria: ACMG Guidelines, 2015. Collection method: clinical testing. Allele origin: germline. Affected: yes.
Comment: PM2, PP2